The following is an entry in ClinVar:

NM_004006.3(DMD):c.2755A>T (p.Lys919Ter)

Gene: DMD (dystrophin; minus strand). Cytogenetic location: Xp21.1.
Variant type: single nucleotide variant.
Coding change: c.2755A>T on transcript NM_004006.3 (MANE Select); coding-DNA position 2755, A replaced by T.
Protein change: p.Lys919Ter; replaces lysine 919 with a stop codon.
Molecular consequence: nonsense.
Genome position (GRCh38, 1-based): chrX:32,484,967, T>A on the plus strand (A>T on the coding strand, the complement: DMD is on the minus strand). VCF-style: chrX-32484967-T-A. GRCh37 (hg19) VCF-style: chrX-32503084-T-A.
Other names: c.2731A>T, p.Lys911Ter (NM_000109.4); c.2743A>T, p.Lys915Ter (NM_004009.3); c.2386A>T, p.Lys796Ter (NM_004010.3); short protein forms K919*, K911*, K915*, K796*.
Identifiers: ClinVar variation 166824 (VCV000166824.15), dbSNP rs727503850, ClinGen allele CA273313.

ClinVar aggregate classification (germline): Pathogenic. Review status: criteria provided, multiple submitters, no conflicts (2 of 4 stars). 3 submissions from 3 submitters: Pathogenic (3). Last evaluated 2023-10-24.

Conditions:
Duchenne muscular dystrophy (DMD). Also called: Duchenne Muscular Dystrophy (DMD); MUSCULAR DYSTROPHY, PSEUDOHYPERTROPHIC PROGRESSIVE, DUCHENNE TYPE. Identifiers: Orphanet 98896, MedGen C0013264, MONDO:0010679, OMIM 310200.

Submissions (3):

Labcorp Genetics (formerly Invitae), Labcorp
Classification: Pathogenic for Duchenne muscular dystrophy. Last evaluated: 2023-10-24. Review status: criteria provided, single submitter. Criteria: Invitae Variant Classification Sherloc (09022015). Collection method: clinical testing. Allele origin: germline.
Comment: This sequence change creates a premature translational stop signal (p.Lys919*) in the DMD gene. It is expected to result in an absent or disrupted protein product. Loss-of-function variants in DMD are known to be pathogenic (PMID: 16770791, 25007885). This variant is not present in population databases (gnomAD no frequency). This premature translational stop signal has been observed in individual(s) with Duchenne muscular dystrophy (PMID: 17952667). ClinVar contains an entry for this variant (Variation ID: 166824). For these reasons, this variant has been classified as Pathogenic.

Laboratory of Medical Genetics, National & Kapodistrian University of Athens
Classification: Pathogenic for Duchenne muscular dystrophy. Last evaluated: 2022-12-16. Review status: criteria provided, single submitter. Criteria: ACMG Guidelines, 2015. Collection method: clinical testing. Allele origin: germline. Affected: yes.
Comment: PVS1, PM2, PP5

Eurofins Ntd Llc (ga)
Classification: Pathogenic. Last evaluated: 2014-04-07. Review status: criteria provided, single submitter. Criteria: EGL Classification Definitions 2015. Collection method: clinical testing. Allele origin: germline. Observed: 1 variant allele, 1 hemizygote.

Literature cited by the submitters: PubMed 16770791 (cited by Labcorp Genetics (formerly Invitae), Labcorp); PubMed 25007885 (cited by Labcorp Genetics (formerly Invitae), Labcorp); PubMed 17952667 (cited by 3 submitters); PubMed 33843695 (cited by Laboratory of Medical Genetics, National & Kapodistrian University of Athens).